The following is an entry in ClinVar:

NM_207361.6(FREM2):c.2250C>T (p.Asp750=)

Gene: FREM2 (FRAS1 related extracellular matrix 2; plus strand). Cytogenetic location: 13q13.3.
Variant type: single nucleotide variant.
Coding change: c.2250C>T on transcript NM_207361.6 (MANE Select); coding-DNA position 2250, C replaced by T.
Protein change: p.Asp750=; no amino-acid change (aspartic acid 750 retained).
Molecular consequence: synonymous variant.
Genome position (GRCh38, 1-based): chr13:38,689,594, C>T. VCF-style: chr13-38689594-C-T. GRCh37 (hg19) VCF-style: chr13-39263731-C-T.
Other names: p.Asp750=.
Identifiers: ClinVar variation 193537 (VCV000193537.21), dbSNP rs41292755, ClinGen allele CA200645.
Genomic context (GRCh38, chr13:38,689,594, plus strand): 5'-CCTGGACACAGATGACCGAGAACTACGTTACACAGTGACTCAGCCCCCCACAGACACAGA[C>T]GAAAATCACCTGCCAGCCCCACTGGGTACCTTGGTCTTGACTGACAACCCCTCAGTCGTG-3'
Protein context (NP_997244.4, residues 740-760): YTVTQPPTDT[Asp750=]ENHLPAPLGT

ClinVar aggregate classification (germline): Benign. Review status: criteria provided, multiple submitters, no conflicts (2 of 4 stars). 9 submissions from 9 submitters: Benign (8). 1 of the submissions does not count toward it. Last evaluated 2026-02-04.

Conditions:
Fraser syndrome 2 (FRASRS2). Identifiers: MedGen C4540036, MONDO:0054738, OMIM 617666.
Fraser syndrome 1 (FRASRS1). Also called: CRYPTOPHTHALMOS WITH OTHER MALFORMATIONS. Identifiers: Orphanet 2052, MedGen C4551480, MONDO:0054737, OMIM 219000.

Allele frequency attached by ClinVar (database versions not stated): ESP Exome Variant Server 0.07320; gnomAD 0.07615; TOPMed 0.07743; 1000 Genomes Project 30x 0.09541; 1000 Genomes Project 0.09984.
gnomAD v4.1: 172,318 of 1,612,632 alleles (11%); highest among the groups gnomAD compares: South Asian, 19%; 10,162 homozygotes.

Submissions (9):

Labcorp Genetics (formerly Invitae), Labcorp
Classification: Benign. Last evaluated: 2026-02-04. Review status: criteria provided, single submitter. Criteria: Invitae Variant Classification Sherloc (09022015). Collection method: clinical testing. Allele origin: germline.

Blueprint Genetics
Classification: Benign. Last evaluated: 2024-11-27. Review status: criteria provided, single submitter. Criteria: ACMG Guidelines, 2015. Collection method: clinical testing. Allele origin: germline.

Mayo Clinic Laboratories, Mayo Clinic
Classification: Benign. Last evaluated: 2022-03-09. Review status: criteria provided, single submitter. Criteria: ACMG Guidelines, 2015. Collection method: clinical testing. Allele origin: germline. Observed: 10 variant alleles.

Illumina Laboratory Services, Illumina
Classification: Benign for Fraser syndrome 2. Last evaluated: 2018-01-12. Review status: criteria provided, single submitter. Criteria: ICSL Variant Classification Criteria 13 December 2019. Collection method: clinical testing. Allele origin: germline.
Comment: This variant was observed in the ICSL laboratory as part of a predisposition screen in an ostensibly healthy population. It had not been previously curated by ICSL or reported in the Human Gene Mutation Database (HGMD: prior to June 1st, 2018), and was therefore a candidate for classification through an automated scoring system. Utilizing variant allele frequency, disease prevalence and penetrance estimates, and inheritance mode, an automated score was calculated to assess if this variant is too frequent to cause the disease. Based on the score and internal cut-off values, a variant classified as benign is not then subjected to further curation. The score for this variant resulted in a classification of benign for this disease.

Eurofins Ntd Llc (ga)
Classification: Benign. Last evaluated: 2014-10-21. Review status: criteria provided, single submitter. Criteria: EGL Classification Definitions 2015. Collection method: clinical testing. Allele origin: germline. Observed: 1 variant allele, 1 heterozygote.

Genome Diagnostics Laboratory, University Medical Center Utrecht
Classification: Benign for Fraser syndrome 1. Last evaluated: 2014-10-10. Review status: criteria provided, single submitter. Criteria: ACGS Guidelines, 2013. Collection method: clinical testing. Allele origin: germline. Affected: yes. Study: VKGL Data-share Consensus.

Breakthrough Genomics
Classification: Benign. Review status: criteria provided, single submitter. Criteria: ACMG Guidelines, 2015. Collection method: not provided. Allele origin: germline. Inheritance: Autosomal recessive inheritance. Affected: yes.

PreventionGenetics, part of Exact Sciences
Classification: Benign. Review status: criteria provided, single submitter. Criteria: ACMG Guidelines, 2015. Collection method: clinical testing. Allele origin: germline.

Diagnostic Laboratory, Department of Genetics, University Medical Center Groningen
Classification: Benign for Fraser syndrome 1. Review status: no assertion criteria provided. Collection method: clinical testing. Allele origin: germline. Affected: yes. Study: VKGL Data-share Consensus. Not counted in ClinVar's aggregate classification.